The following is an entry in ClinVar:

ClinVar aggregate classification (germline): Uncertain significance (1 of 4 stars; one submission).

gnomAD v4.1: 1 of 1,468,492 alleles (0.000068%); highest among the groups gnomAD compares: South Asian, 0.0013%; no homozygotes.

Submission:

Ambry Genetics
Classification: Uncertain significance. Last evaluated: 2025-03-22. Review status: criteria provided, single submitter. Criteria: Ambry Variant Classification Scheme 2023. Collection method: clinical testing. Allele origin: germline.
Comment: The p.M1? variant (also known as c.3G>A) is located in coding exon 1 of the PALLD gene and results from a G to A substitution at nucleotide position 3. This alters the methionine residue at the initiation codon (ATG). Sequence variations that modify the initiation codon are expected to result in either loss of translation initiation, N-terminal truncation, or cause a shift in the mRNA reading frame. The evidence for this gene-disease relationship is limited; therefore, the clinical significance of this alteration is unclear.

NM_001166108.2(PALLD):c.1965-13028G>A

Gene: PALLD (palladin, cytoskeletal associated protein; plus strand). Cytogenetic location: 4q32.3.
Variant type: single nucleotide variant.
Coding change: c.1965-13028G>A on transcript NM_001166108.2 (MANE Select); 13028 bases into the intron before coding-DNA position 1965, G replaced by A.
Molecular consequence: intron variant. On other transcripts: missense variant (1), initiator codon variant (1).
Genome position (GRCh38, 1-based): chr4:168,877,894, G>A. VCF-style: chr4-168877894-G-A. GRCh37 (hg19) VCF-style: chr4-169799045-G-A.
Other names: c.3G>A, p.Met1Ile (NM_001166110.2); c.1965-13028G>A (NM_016081.4); c.819-13028G>A (NM_001166109.2); c.-157-13028G>A (NM_001367570.1, NM_001367568.1, NM_001367567.1 and 1 more transcripts); short protein forms M1I.
Identifiers: ClinVar variation 3927504 (VCV003927504.1).
Genomic context (GRCh38, chr4:168,877,894, plus strand): 5'-GCCGCCGCCCGCCTTCCCCGAGCTCGCGGCCTGCACGCCGCCCGCGTCCCCGGAGCCCAT[G>A]AGCGCGCTGGCCTCCCGCTCCGCCCCCGCCATGCAGTCCTCCGGCTCCTTCAACTACGCG-3'